The following is an entry in ClinVar:

ClinVar aggregate classification (germline): Uncertain significance (1 of 4 stars; one submission).

Conditions:
Inborn genetic diseases. Identifiers: MedGen C0950123, MeSH D030342.

Submission:

Ambry Genetics
Classification: Uncertain significance for Inborn genetic diseases. Last evaluated: 2025-05-17. Review status: criteria provided, single submitter. Criteria: Ambry Variant Classification Scheme 2023. Collection method: clinical testing. Allele origin: germline.
Comment: The p.S1867T variant (also known as c.5599T>A), located in coding exon 21 of the FANCM gene, results from a T to A substitution at nucleotide position 5599. The serine at codon 1867 is replaced by threonine, an amino acid with similar properties. This amino acid position is conserved. In addition, this alteration is predicted to be tolerated by in silico analysis. Based on the available evidence, the clinical significance of this variant remains unclear.

NM_020937.4(FANCM):c.5599T>A (p.Ser1867Thr)

Gene: FANCM (FA complementation group M; plus strand). Cytogenetic location: 14q21.2.
Variant type: single nucleotide variant.
Coding change: c.5599T>A on transcript NM_020937.4 (MANE Select); coding-DNA position 5599, T replaced by A.
Protein change: p.Ser1867Thr; replaces serine 1867 with threonine.
Molecular consequence: missense variant.
Genome position (GRCh38, 1-based): chr14:45,196,430, T>A. VCF-style: chr14-45196430-T-A. GRCh37 (hg19) VCF-style: chr14-45665633-T-A.
Other names: c.5521T>A, p.Ser1841Thr (NM_001308133.2); short protein forms S1841T, S1867T.
Identifiers: ClinVar variation 4022787 (VCV004022787.1).
Genomic context (GRCh38, chr14:45,196,430, plus strand): 5'-GTTTGTCCTCTTAATGGCTGTGATTACATCGTGAGTAATCGCATGGTGGTGGAAAGGAGG[T>A]CTCAATCTGAGATGTTAAATAGTGTCAATAAGAACAAGTTCATTGAGCAGATCCAGCACC-3'
Protein context (NP_065988.1, residues 1857-1877): VSNRMVVERR[Ser1867Thr]QSEMLNSVNK